The following is an entry in ClinVar:

ClinVar aggregate classification (germline): conflicting data from submitters (0 of 4 stars; one submission).

Submission:

ISCA Site 6
Classification: conflicting data from submitters. Review status: no assertion criteria provided. Collection method: clinical testing. Allele origin: unknown. Affected: yes. Observed: 2 variant alleles.
Comment: Uncertain significance(1), Likely benign (1)

Copy number variation identified through the course of routine clinical cytogenomic testing in postnatal populations, with clinical assertions as classified by the original submitter. For data from the original published study, Kaminsky, et al. 2011 (PubMed 21844811), please see nstd101.

GRCh37/hg19 6p25.3(chr6:1284030-1322348)x3

Gene: FOXQ1 (forkhead box Q1; plus strand). Cytogenetic location: 6p25.3.
Variant type: copy number gain.
Change: copy number 3 (three copies instead of two) of chr6:1,284,030-1,322,348 (38.3 kb, GRCh37 coordinates, 1-based), cytogenetic band 6p25.3.
Identifiers: ClinVar variation 394187 (VCV000394187.3).